The following is an entry in ClinVar:

ClinVar aggregate classification (germline): Likely benign. Review status: criteria provided, single submitter (1 of 4 stars). 2 submissions from 2 submitters: Likely benign (1). 1 of the submissions does not count toward it. Last evaluated 2025-05-26.

Conditions:
FOCAD-related disorder. Also called: FOCAD-related condition.

Allele frequency attached by ClinVar (database versions not stated): 1000 Genomes Project 30x 0.00047; 1000 Genomes Project 0.00060; ESP Exome Variant Server 0.00085.
gnomAD v4.1: 271 of 1,613,322 alleles (0.017%); highest among the groups gnomAD compares: African/African-American, 0.29%; no homozygotes.

Submissions (2):

Labcorp Genetics (formerly Invitae), Labcorp
Classification: Likely benign. Last evaluated: 2025-05-26. Review status: criteria provided, single submitter. Criteria: Invitae Variant Classification Sherloc (09022015). Collection method: clinical testing. Allele origin: germline.

PreventionGenetics, part of Exact Sciences
Classification: Likely benign for FOCAD-related condition. Last evaluated: 2019-05-08. Review status: no assertion criteria provided. Collection method: clinical testing. Allele origin: germline. Not counted in ClinVar's aggregate classification.
Comment: This variant is classified as likely benign based on ACMG/AMP sequence variant interpretation guidelines (Richards et al. 2015 PMID: 25741868, with internal and published modifications).

NM_001375567.1(FOCAD):c.2685A>G (p.Ala895=)

Gene: FOCAD (focadhesin; plus strand). Cytogenetic location: 9p21.3.
Variant type: single nucleotide variant.
Coding change: c.2685A>G on transcript NM_001375567.1 (MANE Select); coding-DNA position 2685, A replaced by G.
Protein change: p.Ala895=; no amino-acid change (alanine 895 retained).
Molecular consequence: synonymous variant.
Genome position (GRCh38, 1-based): chr9:20,907,209, A>G. VCF-style: chr9-20907209-A-G. GRCh37 (hg19) VCF-style: chr9-20907208-A-G.
Other names: c.2685A>G (NM_017794.4); c.2580A>G, p.Ala860= (NM_001375568.1, NM_001375570.1); c.2685A>G, p.Ala895= (NM_017794.5).
Identifiers: ClinVar variation 2713802 (VCV002713802.5), dbSNP rs148962332, ClinGen allele CA5007214.